The following is an entry in ClinVar:

ClinVar aggregate classification (germline): Uncertain significance (1 of 4 stars; one submission).

Conditions:
MHC class I deficiency. Identifiers: Orphanet 34592, MedGen C6024714, MONDO:0011476.

Allele frequency attached by ClinVar (database versions not stated): gnomAD exomes below 0.00001; TOPMed 0.00001; gnomAD 0.00001; ExAC 0.00002.
gnomAD v4.1: 7 of 1,614,134 alleles (0.00043%); highest among the groups gnomAD compares: East Asian, 0.0045%; no homozygotes.

Submission:

Labcorp Genetics (formerly Invitae), Labcorp
Classification: Uncertain significance for MHC class I deficiency 1. Last evaluated: 2022-01-27. Review status: criteria provided, single submitter. Criteria: Invitae Variant Classification Sherloc (09022015). Collection method: clinical testing. Allele origin: germline.
Comment: This variant has not been reported in the literature in individuals affected with TAP1-related conditions. This sequence change replaces glutamic acid, which is acidic and polar, with lysine, which is basic and polar, at codon 446 of the TAP1 protein (p.Glu446Lys). This variant is present in population databases (rs777683307, gnomAD 0.005%). Algorithms developed to predict the effect of missense changes on protein structure and function are either unavailable or do not agree on the potential impact of this missense change (SIFT: "Deleterious"; PolyPhen-2: "Probably Damaging"; Align-GVGD: "Class C0"). In summary, the available evidence is currently insufficient to determine the role of this variant in disease. Therefore, it has been classified as a Variant of Uncertain Significance.

NM_000593.6(TAP1):c.1156G>A (p.Glu386Lys)

Gene: TAP1 (transporter 1, ATP binding cassette subfamily B member; minus strand). Cytogenetic location: 6p21.32.
Variant type: single nucleotide variant.
Coding change: c.1156G>A on transcript NM_000593.6 (MANE Select); coding-DNA position 1156, G replaced by A.
Protein change: p.Glu386Lys; replaces glutamic acid 386 with lysine.
Molecular consequence: missense variant.
Genome position (GRCh38, 1-based): chr6:32,850,412, C>T on the plus strand (G>A on the coding strand, the complement: TAP1 is on the minus strand). VCF-style: chr6-32850412-C-T. GRCh37 (hg19) VCF-style: chr6-32818189-C-T.
Other names: c.553G>A, p.Glu185Lys (NM_001292022.2); short protein forms E386K, E185K.
Identifiers: ClinVar variation 1375180 (VCV001375180.6), dbSNP rs777683307, ClinGen allele CA3746845.